The following is an entry in ClinVar:

NM_000135.4(FANCA):c.1118G>A (p.Gly373Asp)

Gene: FANCA (FA complementation group A; minus strand). Cytogenetic location: 16q24.3.
Variant type: single nucleotide variant.
Coding change: c.1118G>A on transcript NM_000135.4 (MANE Select); coding-DNA position 1118, G replaced by A.
Protein change: p.Gly373Asp; replaces glycine 373 with aspartic acid.
Molecular consequence: missense variant.
Genome position (GRCh38, 1-based): chr16:89,792,034, C>T on the plus strand (G>A on the coding strand, the complement: FANCA is on the minus strand). VCF-style: chr16-89792034-C-T. GRCh37 (hg19) VCF-style: chr16-89858442-C-T.
Other names: c.1118G>A, p.Gly373Asp (NM_001286167.3); short protein forms G373D.
Identifiers: ClinVar variation 4843007 (VCV004843007.1).

ClinVar aggregate classification (germline): Uncertain significance (1 of 4 stars; one submission).

Conditions:
Inborn genetic diseases. Identifiers: MedGen C0950123, MeSH D030342.

gnomAD v4.1: 4 of 1,613,814 alleles (0.00025%); highest among the groups gnomAD compares: South Asian, 0.0033%; no homozygotes.

Submission:

Ambry Genetics
Classification: Uncertain significance for Inborn genetic diseases. Last evaluated: 2025-12-18. Review status: criteria provided, single submitter. Criteria: Ambry Variant Classification Scheme 2023. Collection method: clinical testing. Allele origin: germline.
Comment: The p.G373D variant (also known as c.1118G>A), located in coding exon 13 of the FANCA gene, results from a G to A substitution at nucleotide position 1118. The glycine at codon 373 is replaced by aspartic acid, an amino acid with similar properties. This amino acid position is conserved. In addition, the in silico prediction for this alteration is inconclusive. Based on the available evidence, the clinical significance of this variant remains unclear.